The following is an entry in ClinVar:

ClinVar aggregate classification (germline): Benign/Likely benign. Review status: criteria provided, multiple submitters, no conflicts (2 of 4 stars). 4 submissions from 4 submitters: Benign (2); Likely benign (1). 1 of the submissions does not count toward it. Last evaluated 2025-11-01.

Conditions:
Junctional epidermolysis bullosa, non-Herlitz type. Also called: EPIDERMOLYSIS BULLOSA, JUNCTIONAL 1A, INTERMEDIATE; EPIDERMOLYSIS BULLOSA JUNCTIONALIS, DISENTIS TYPE; EPIDERMOLYSIS BULLOSA JUNCTIONALIS, NON-HERLITZ TYPE; EPIDERMOLYSIS BULLOSA JUNCTIONALIS, PROGRESSIVE; EPIDERMOLYSIS BULLOSA JUNCTIONALIS, SEVERE NONLETHAL; COL17A1-Related Junctional Epidermolysis Bullosa. Identifiers: Orphanet 251393, Orphanet 79402, Orphanet 79405, Orphanet 89840, MedGen C0268374, MONDO:0009180, OMIM 226650.
COL17A1-related disorder. Also called: COL17A1-related condition.

Allele frequency attached by ClinVar (database versions not stated): gnomAD 0.00029 and 0.00054; gnomAD exomes 0.00033 and 0.00085; TOPMed 0.00060; ExAC 0.00082; 1000 Genomes Project 0.00280; 1000 Genomes Project 30x 0.00281.
gnomAD v4.1: 564 of 1,607,308 alleles (0.035%); highest among the groups gnomAD compares: East Asian, 1.1%; 7 homozygotes.

Submissions (4):

Labcorp Genetics (formerly Invitae), Labcorp
Classification: Benign. Last evaluated: 2025-11-01. Review status: criteria provided, single submitter. Criteria: Invitae Variant Classification Sherloc (09022015). Collection method: clinical testing. Allele origin: germline.

Blueprint Genetics
Classification: Likely benign. Last evaluated: 2024-05-08. Review status: criteria provided, single submitter. Criteria: ACMG Guidelines, 2015. Collection method: clinical testing. Allele origin: germline.

Illumina Laboratory Services, Illumina
Classification: Benign for Junctional epidermolysis bullosa, non-Herlitz type. Last evaluated: 2017-04-27. Review status: criteria provided, single submitter. Criteria: ICSL Variant Classification Criteria 13 December 2019. Collection method: clinical testing. Allele origin: germline.
Comment: This variant was observed as part of a predisposition screen in an ostensibly healthy population. A literature search was performed for the gene, cDNA change, and amino acid change (where applicable). Publications were found based on this search. The evidence from the literature, in combination with allele frequency data from public databases where available, was sufficient to rule this variant out of causing disease. Therefore, this variant is classified as benign.

PreventionGenetics, part of Exact Sciences
Classification: Benign for COL17A1-related condition. Last evaluated: 2019-10-28. Review status: no assertion criteria provided. Collection method: clinical testing. Allele origin: germline. Not counted in ClinVar's aggregate classification.
Comment: This variant is classified as benign based on ACMG/AMP sequence variant interpretation guidelines (Richards et al. 2015 PMID: 25741868, with internal and published modifications).

Literature cited by the submitters: PubMed 24668667 (cited by Illumina Laboratory Services, Illumina).

NM_000494.4(COL17A1):c.2704A>T (p.Thr902Ser)

Gene: COL17A1 (collagen type XVII alpha 1 chain; minus strand). Cytogenetic location: 10q25.1.
Variant type: single nucleotide variant.
Coding change: c.2704A>T on transcript NM_000494.4 (MANE Select); coding-DNA position 2704, A replaced by T.
Protein change: p.Thr902Ser; replaces threonine 902 with serine.
Molecular consequence: missense variant.
Genome position (GRCh38, 1-based): chr10:104,040,408, T>A on the plus strand (A>T on the coding strand, the complement: COL17A1 is on the minus strand). VCF-style: chr10-104040408-T-A. GRCh37 (hg19) VCF-style: chr10-105800166-T-A.
Other names: short protein forms T902S.
Identifiers: ClinVar variation 878244 (VCV000878244.14), dbSNP rs117837187, ClinGen allele CA5678302.